The following is an entry in ClinVar:

NM_001036.6(RYR3):c.14127C>T (p.Cys4709=)

Genes: AVEN (apoptosis and caspase activation inhibitor; minus strand), RYR3 (ryanodine receptor 3; plus strand). Cytogenetic location: 15q14.
Variant type: single nucleotide variant.
Coding change: c.14127C>T on transcript NM_001036.6 (MANE Select); coding-DNA position 14127, C replaced by T.
Protein change: p.Cys4709=; no amino-acid change (cysteine 4709 retained).
Molecular consequence: synonymous variant.
Genome position (GRCh38, 1-based): chr15:33,857,899, C>T. VCF-style: chr15-33857899-C-T. GRCh37 (hg19) VCF-style: chr15-34150100-C-T.
Other names: c.14112C>T, p.Cys4704= (NM_001243996.4).
Identifiers: ClinVar variation 461875 (VCV000461875.13), dbSNP rs374117753, ClinGen allele CA7461905.

ClinVar aggregate classification (germline): Likely benign. Review status: criteria provided, multiple submitters, no conflicts (2 of 4 stars). 3 submissions from 3 submitters: Likely benign (2). 1 of the submissions does not count toward it. Last evaluated 2024-12-03.

Conditions:
RYR3-related disorder. Also called: RYR3-related condition.
Epileptic encephalopathy. Identifiers: MedGen C0543888, HP:0200134.

Allele frequency attached by ClinVar (database versions not stated): gnomAD exomes 0.00003 and 0.00010; ESP Exome Variant Server 0.00008; ExAC 0.00011; gnomAD 0.00027 and 0.00031; TOPMed 0.00028.
gnomAD v4.1: 168 of 1,614,054 alleles (0.01%); highest among the groups gnomAD compares: African/African-American, 0.053%; 1 homozygote.

Submissions (3):

Labcorp Genetics (formerly Invitae), Labcorp
Classification: Likely benign for Epileptic encephalopathy. Last evaluated: 2024-12-03. Review status: criteria provided, single submitter. Criteria: Invitae Variant Classification Sherloc (09022015). Collection method: clinical testing. Allele origin: germline.

Blueprint Genetics
Classification: Likely benign. Last evaluated: 2024-10-23. Review status: criteria provided, single submitter. Criteria: ACMG Guidelines, 2015. Collection method: clinical testing. Allele origin: germline.

PreventionGenetics, part of Exact Sciences
Classification: Likely benign for RYR3-related condition. Last evaluated: 2019-03-20. Review status: no assertion criteria provided. Collection method: clinical testing. Allele origin: germline. Not counted in ClinVar's aggregate classification.
Comment: This variant is classified as likely benign based on ACMG/AMP sequence variant interpretation guidelines (Richards et al. 2015 PMID: 25741868, with internal and published modifications).